The following is an entry in ClinVar:

NM_000077.5(CDKN2A):c.102G>C (p.Ala34=)

Gene: CDKN2A (cyclin dependent kinase inhibitor 2A; minus strand). Cytogenetic location: 9p21.3.
Variant type: single nucleotide variant.
Coding change: c.102G>C on transcript NM_000077.5; coding-DNA position 102, G replaced by C.
Protein change: p.Ala34=; no amino-acid change (alanine 34 retained).
Molecular consequence: synonymous variant (on NM_000077.6). On other transcripts: intron variant (2).
Genome position (GRCh38, 1-based): chr9:21,974,726, C>G on the plus strand (G>C on the coding strand, the complement: CDKN2A is on the minus strand). VCF-style: chr9-21974726-C-G. GRCh37 (hg19) VCF-style: chr9-21974725-C-G.
Other names: c.102G>C, p.Ala34= (NM_000077.6, NM_001195132.2, NM_058197.5); c.-3-3518G>C (NM_001363763.2); c.194-3518G>C (NM_058195.4).
Identifiers: ClinVar variation 2968541 (VCV002968541.5), dbSNP rs780780607, ClinGen allele CA5012318.

ClinVar aggregate classification (germline): Benign/Likely benign. Review status: criteria provided, multiple submitters, no conflicts (2 of 4 stars). 3 submissions from 3 submitters: Benign (1); Likely benign (2). Last evaluated 2025-12-02.

Conditions:
Familial melanoma. Also called: Hereditary melanoma; Hereditary cutaneous melanoma. Identifiers: Orphanet 618, MedGen C1512419, MONDO:0018961.
Hereditary cancer-predisposing syndrome. Also called: Tumor predisposition; Hereditary Cancer Syndrome; Hereditary neoplastic syndrome; Neoplastic Syndromes, Hereditary. Identifiers: Orphanet 140162, MedGen C0027672, MeSH D009386, MONDO:0015356.
Melanoma-pancreatic cancer syndrome. Identifiers: Orphanet 404560, MedGen C1838547, MONDO:0011713, OMIM 606719. Disease mechanism: loss of function.

Allele frequency attached by ClinVar (database versions not stated): ExAC 0.00002; gnomAD 0.00004; gnomAD exomes 0.00005.
gnomAD v4.1: 33 of 1,612,998 alleles (0.002%); highest among the groups gnomAD compares: Non-Finnish European, 0.00034%; no homozygotes.

Submissions (3):

Labcorp Genetics (formerly Invitae), Labcorp
Classification: Likely benign for Familial melanoma. Last evaluated: 2025-12-02. Review status: criteria provided, single submitter. Criteria: Invitae Variant Classification Sherloc (09022015). Collection method: clinical testing. Allele origin: germline.

Myriad Genetics, Inc.
Classification: Benign for Melanoma-pancreatic cancer syndrome. Last evaluated: 2025-08-13. Review status: criteria provided, single submitter. Criteria: Myriad Autosomal Dominant, Autosomal Recessive and X-Linked Classification Criteria (2023). Collection method: clinical testing. Allele origin: unknown.
Comment: This variant is considered benign. This variant is a silent/synonymous amino acid change and it is not expected to impact splicing.

Ambry Genetics
Classification: Likely benign for Hereditary cancer-predisposing syndrome. Last evaluated: 2025-07-05. Review status: criteria provided, single submitter. Criteria: Ambry Variant Classification Scheme 2023. Collection method: clinical testing. Allele origin: germline.